The following is an entry in ClinVar:

NM_000264.5(PTCH1):c.742C>T (p.Leu248Phe)

Gene: PTCH1 (patched 1; minus strand). Cytogenetic location: 9q22.32.
Variant type: single nucleotide variant.
Coding change: c.742C>T on transcript NM_000264.5 (MANE Select); coding-DNA position 742, C replaced by T.
Protein change: p.Leu248Phe; replaces leucine 248 with phenylalanine.
Molecular consequence: missense variant. On other transcripts: non-coding transcript variant (1).
Genome position (GRCh38, 1-based): chr9:95,481,953, G>A on the plus strand (C>T on the coding strand, the complement: PTCH1 is on the minus strand). VCF-style: chr9-95481953-G-A. GRCh37 (hg19) VCF-style: chr9-98244235-G-A.
Other names: c.544C>T, p.Leu182Phe (NM_001083602.3, NM_001354919.2); c.739C>T, p.Leu247Phe (NM_001083603.3); c.289C>T, p.Leu97Phe (NM_001083604.3, NM_001083605.3, NM_001083606.3 and 1 more transcripts); c.742C>T, p.Leu248Phe (NM_001354918.2); c.742C>T (NM_000264.4); short protein forms L97F, L248F, L182F, L247F.
Identifiers: ClinVar variation 862888 (VCV000862888.12), dbSNP rs1841568646, ClinGen allele CA374114798.
Genomic context (GRCh38, chr9:95,481,953, plus strand): 5'-GAAACACTGAGTCCTAGAGAAGTCACAGACATCAGAAAGCATGATCACACACTTACAGGA[G>A]GTATGCTGTCCCAGACTGTAATTTCGCCCCTTCCCAGAAGCAGTCCAAAGGTGTAATAAT-3'
Protein context (NP_000255.2, residues 238-258): GAKLQSGTAY[Leu248Phe]LGKPPLRWTN

ClinVar aggregate classification (germline): Uncertain significance. Review status: criteria provided, multiple submitters, no conflicts (2 of 4 stars). 4 submissions from 4 submitters: Uncertain significance (4). Last evaluated 2025-12-22.

Conditions:
Hereditary cancer-predisposing syndrome. Also called: Tumor predisposition; Hereditary Cancer Syndrome; Neoplastic Syndromes, Hereditary; Hereditary neoplastic syndrome. Identifiers: Orphanet 140162, MedGen C0027672, MeSH D009386, MONDO:0015356.
Gorlin syndrome. Also called: Nevoid Basal Cell Carcinoma Syndrome; Basal cell nevus syndrome. Identifiers: Orphanet 377, MedGen C0004779, MONDO:0007187.

Submissions (4):

Labcorp Genetics (formerly Invitae), Labcorp
Classification: Uncertain significance for Gorlin syndrome. Last evaluated: 2025-12-22. Review status: criteria provided, single submitter. Criteria: Invitae Variant Classification Sherloc (09022015). Collection method: clinical testing. Allele origin: germline.
Comment: This sequence change replaces leucine, which is neutral and non-polar, with phenylalanine, which is neutral and non-polar, at codon 248 of the PTCH1 protein (p.Leu248Phe). This variant is not present in population databases (gnomAD no frequency). This variant has not been reported in the literature in individuals affected with PTCH1-related conditions. ClinVar contains an entry for this variant (Variation ID: 862888). Invitae Evidence Modeling of protein sequence and biophysical properties (such as structural, functional, and spatial information, amino acid conservation, physicochemical variation, residue mobility, and thermodynamic stability) has been performed for this missense variant. However, the output from this modeling did not meet the statistical confidence thresholds required to predict the impact of this variant on PTCH1 protein function. In summary, the available evidence is currently insufficient to determine the role of this variant in disease. Therefore, it has been classified as a Variant of Uncertain Significance.

Quest Diagnostics Nichols Institute San Juan Capistrano
Classification: Uncertain significance. Last evaluated: 2025-07-25. Review status: criteria provided, single submitter. Criteria: Quest Diagnostics criteria. Collection method: clinical testing. Allele origin: unknown.
Comment: The PTCH1 c.742C>T (p.Leu248Phe) variant has not been reported in individuals with PTCH1-related conditions in the published literature. This variant has not been reported in large, multi-ethnic general populations (Genome Aggregation Database). Analysis of this variant using bioinformatics tools for the prediction of the effect of amino acid changes on protein structure and function yielded conflicting predictions that this variant is benign or damaging. Based on the available information, we are unable to determine the clinical significance of this variant.

Ambry Genetics
Classification: Uncertain significance for Hereditary cancer-predisposing syndrome. Last evaluated: 2025-03-31. Review status: criteria provided, single submitter. Criteria: Ambry Variant Classification Scheme 2023. Collection method: clinical testing. Allele origin: germline.
Comment: The p.L248F variant (also known as c.742C>T), located in coding exon 5 of the PTCH1 gene, results from a C to T substitution at nucleotide position 742. The leucine at codon 248 is replaced by phenylalanine, an amino acid with highly similar properties. This amino acid position is highly conserved in available vertebrate species. In addition, the in silico prediction for this alteration is inconclusive. Since supporting evidence is limited at this time, the clinical significance of this alteration remains unclear.

AiLife Diagnostics
Classification: Uncertain significance. Last evaluated: 2021-06-04. Review status: criteria provided, single submitter. Criteria: ACMG Guidelines, 2015. Collection method: clinical testing. Allele origin: germline. Affected: yes. Observed: 1 variant allele.